The following is an entry in ClinVar:

NM_001852.4(COL9A2):c.2024A>G (p.Tyr675Cys)

Gene: COL9A2 (collagen type IX alpha 2 chain; minus strand). Cytogenetic location: 1p34.2.
Variant type: single nucleotide variant.
Coding change: c.2024A>G on transcript NM_001852.4 (MANE Select); coding-DNA position 2024, A replaced by G.
Protein change: p.Tyr675Cys; replaces tyrosine 675 with cysteine.
Molecular consequence: missense variant.
Genome position (GRCh38, 1-based): chr1:40,301,228, T>C on the plus strand (A>G on the coding strand, the complement: COL9A2 is on the minus strand). VCF-style: chr1-40301228-T-C. GRCh37 (hg19) VCF-style: chr1-40766900-T-C.
Other names: short protein forms Y675C.
Identifiers: ClinVar variation 4722313 (VCV004722313.1).

ClinVar aggregate classification (germline): Uncertain significance (1 of 4 stars; one submission).

gnomAD v4.1: 1 of 1,614,044 alleles (0.000062%); highest among the groups gnomAD compares: Non-Finnish European, 0.000085%; no homozygotes.

Submission:

Labcorp Genetics (formerly Invitae), Labcorp
Classification: Uncertain significance. Last evaluated: 2025-06-29. Review status: criteria provided, single submitter. Criteria: Invitae Variant Classification Sherloc (09022015). Collection method: clinical testing. Allele origin: germline.
Comment: This sequence change replaces tyrosine, which is neutral and polar, with cysteine, which is neutral and slightly polar, at codon 675 of the COL9A2 protein (p.Tyr675Cys). This variant is not present in population databases (gnomAD no frequency). This variant has not been reported in the literature in individuals affected with COL9A2-related conditions. An algorithm developed to predict the effect of missense changes on protein structure and function (PolyPhen-2) suggests that this variant is likely to be disruptive. In summary, the available evidence is currently insufficient to determine the role of this variant in disease. Therefore, it has been classified as a Variant of Uncertain Significance.